The following is an entry in ClinVar:

NM_001349338.3(FOXP1):c.1556T>C (p.Leu519Pro)

Gene: FOXP1 (forkhead box P1; minus strand). Cytogenetic location: 3p13.
Variant type: single nucleotide variant.
Coding change: c.1556T>C on transcript NM_001349338.3 (MANE Select); coding-DNA position 1556, T replaced by C.
Protein change: p.Leu519Pro; replaces leucine 519 with proline.
Molecular consequence: missense variant. On other transcripts: non-coding transcript variant (2), intron variant (1).
Genome position (GRCh38, 1-based): chr3:70,972,651, A>G on the plus strand (T>C on the coding strand, the complement: FOXP1 is on the minus strand). VCF-style: chr3-70972651-A-G. GRCh37 (hg19) VCF-style: chr3-71021802-A-G.
Other names: c.1556T>C (NM_032682.5); c.1553T>C, p.Leu518Pro (NM_001244808.3, NM_001349341.3); c.1328T>C, p.Leu443Pro (NM_001244812.3); c.1256T>C, p.Leu419Pro (NM_001244813.3, NM_001244815.2, NM_001349342.3); c.1556T>C, p.Leu519Pro (NM_001244814.3, NM_001244816.2, NM_001349339.1 and 2 more transcripts); c.1253T>C, p.Leu418Pro (NM_001349337.2, NM_001349343.3, NM_001349344.3 and 1 more transcripts); c.1531-471T>C (NM_001244810.2); short protein forms L419P, L518P, L519P, L418P, L443P.
Identifiers: ClinVar variation 2098207 (VCV002098207.7), dbSNP rs2107200636, ClinGen allele CA353491792.

ClinVar aggregate classification (germline): Conflicting classifications of pathogenicity. Review status: criteria provided, conflicting classifications (1 of 4 stars). 2 submissions from 2 submitters: Pathogenic (1); Uncertain significance (1). Last evaluated 2022-08-10.

Conditions:
Intellectual disability-severe speech delay-mild dysmorphism syndrome (IDDLA). Also called: Mental retardation with language impairment and autistic features; Intellectual developmental disorder with language impairment AND with or without autistic features; FOXP1 Syndrome. Identifiers: Orphanet 391372, MedGen C4013764, MONDO:0013352, OMIM 613670.

Submissions (2):

Labcorp Genetics (formerly Invitae), Labcorp
Classification: Pathogenic. Last evaluated: 2022-08-10. Review status: criteria provided, single submitter. Criteria: Invitae Variant Classification Sherloc (09022015). Collection method: clinical testing. Allele origin: germline.
Comment: This sequence change replaces leucine, which is neutral and non-polar, with proline, which is neutral and non-polar, at codon 519 of the FOXP1 protein (p.Leu519Pro). For these reasons, this variant has been classified as Pathogenic. Advanced modeling of protein sequence and biophysical properties (such as structural, functional, and spatial information, amino acid conservation, physicochemical variation, residue mobility, and thermodynamic stability) performed at Invitae indicates that this missense variant is expected to disrupt FOXP1 protein function. This missense change has been observed in individual(s) with intellectual disability syndrome (PMID: 33427368). In at least one individual the variant was observed to be de novo. This variant is not present in population databases (gnomAD no frequency).

Revvity Omics, Revvity
Classification: Uncertain significance for Intellectual disability-severe speech delay-mild dysmorphism syndrome. Last evaluated: 2019-08-01. Review status: criteria provided, single submitter. Criteria: ACMG Guidelines, 2015. Collection method: clinical testing. Allele origin: germline.

Literature cited by the submitters: PubMed 33427368 (cited by Labcorp Genetics (formerly Invitae), Labcorp).